The following continues an entry in ClinVar:

NM_001353108.3(CEP63):c.555G>C (p.Gln185His)

Gene: CEP63. ClinVar aggregate classification (germline): Benign. Benign (6).

Submissions 106 to 122 of 122:

Dr. Peter K. Rogan Lab, Western University
No classification provided (evidence only). Condition: Chronic lymphocytic leukemia/small lymphocytic lymphoma. Review status: no classification provided. Collection method: in vitro. Allele origin: not applicable. Functional consequence: retained intron. Not counted in ClinVar's aggregate classification.

Dr. Peter K. Rogan Lab, Western University
No classification provided (evidence only). Condition: Nonpapillary renal cell carcinoma. Review status: no classification provided. Collection method: in vitro. Allele origin: not applicable. Functional consequence: retained intron. Not counted in ClinVar's aggregate classification.

Dr. Peter K. Rogan Lab, Western University
No classification provided (evidence only). Condition: Nonpapillary renal cell carcinoma. Review status: no classification provided. Collection method: in vitro. Allele origin: not applicable. Functional consequence: retained intron. Not counted in ClinVar's aggregate classification.

Dr. Peter K. Rogan Lab, Western University
No classification provided (evidence only). Condition: Nonpapillary renal cell carcinoma. Review status: no classification provided. Collection method: in vitro. Allele origin: not applicable. Functional consequence: retained intron. Not counted in ClinVar's aggregate classification.

Dr. Peter K. Rogan Lab, Western University
No classification provided (evidence only). Condition: Nonpapillary renal cell carcinoma. Review status: no classification provided. Collection method: in vitro. Allele origin: not applicable. Functional consequence: retained intron. Not counted in ClinVar's aggregate classification.

Dr. Peter K. Rogan Lab, Western University
No classification provided (evidence only). Condition: Nonpapillary renal cell carcinoma. Review status: no classification provided. Collection method: in vitro. Allele origin: not applicable. Functional consequence: retained intron. Not counted in ClinVar's aggregate classification.

Dr. Peter K. Rogan Lab, Western University
No classification provided (evidence only). Condition: Nonpapillary renal cell carcinoma. Review status: no classification provided. Collection method: in vitro. Allele origin: not applicable. Functional consequence: retained intron. Not counted in ClinVar's aggregate classification.

Dr. Peter K. Rogan Lab, Western University
No classification provided (evidence only). Condition: Nonpapillary renal cell carcinoma. Review status: no classification provided. Collection method: in vitro. Allele origin: not applicable. Functional consequence: retained intron. Not counted in ClinVar's aggregate classification.

Dr. Peter K. Rogan Lab, Western University
No classification provided (evidence only). Condition: Familial pancreatic carcinoma. Review status: no classification provided. Collection method: in vitro. Allele origin: not applicable. Functional consequence: retained intron. Not counted in ClinVar's aggregate classification.

Dr. Peter K. Rogan Lab, Western University
No classification provided (evidence only). Condition: Familial pancreatic carcinoma. Review status: no classification provided. Collection method: in vitro. Allele origin: not applicable. Functional consequence: retained intron. Not counted in ClinVar's aggregate classification.

Dr. Peter K. Rogan Lab, Western University
No classification provided (evidence only). Condition: Familial pancreatic carcinoma. Review status: no classification provided. Collection method: in vitro. Allele origin: not applicable. Functional consequence: retained intron. Not counted in ClinVar's aggregate classification.

Dr. Peter K. Rogan Lab, Western University
No classification provided (evidence only). Condition: Lymphoma. Review status: no classification provided. Collection method: in vitro. Allele origin: not applicable. Functional consequence: retained intron. Not counted in ClinVar's aggregate classification.

Dr. Peter K. Rogan Lab, Western University
No classification provided (evidence only). Condition: Lymphoma. Review status: no classification provided. Collection method: in vitro. Allele origin: not applicable. Functional consequence: retained intron. Not counted in ClinVar's aggregate classification.

Dr. Peter K. Rogan Lab, Western University
No classification provided (evidence only). Condition: Lymphoma. Review status: no classification provided. Collection method: in vitro. Allele origin: not applicable. Functional consequence: retained intron. Not counted in ClinVar's aggregate classification.

Dr. Peter K. Rogan Lab, Western University
No classification provided (evidence only). Condition: Lymphoma. Review status: no classification provided. Collection method: in vitro. Allele origin: not applicable. Functional consequence: skipped exon, retained intron. Not counted in ClinVar's aggregate classification.

Dr. Peter K. Rogan Lab, Western University
No classification provided (evidence only). Condition: Lymphoma. Review status: no classification provided. Collection method: in vitro. Allele origin: not applicable. Functional consequence: skipped exon, retained intron. Not counted in ClinVar's aggregate classification.

Dr. Peter K. Rogan Lab, Western University
No classification provided (evidence only). Condition: Lymphoma. Review status: no classification provided. Collection method: in vitro. Allele origin: not applicable. Functional consequence: skipped exon, retained intron. Not counted in ClinVar's aggregate classification.